The following is an entry in ClinVar:

ClinVar aggregate classification (germline): Pathogenic (1 of 4 stars; one submission).

Conditions:
Neurofibromatosis, type 1 (NF1). Also called: VON RECKLINGHAUSEN DISEASE; NEUROFIBROMATOSIS, TYPE I, SOMATIC; Peripheral type neurofibromatosis; Neurofibromatosis, type I. Identifiers: Orphanet 636, MedGen C0027831, MONDO:0018975, OMIM 162200. Disease mechanism: loss of function.

Submission:

Labcorp Genetics (formerly Invitae), Labcorp
Classification: Pathogenic for Neurofibromatosis, type 1. Last evaluated: 2019-08-13. Review status: criteria provided, single submitter. Criteria: Invitae Variant Classification Sherloc (09022015). Collection method: clinical testing. Allele origin: germline.
Comment: This variant has not been reported in the literature in individuals with NF1-related conditions. For these reasons, this variant has been classified as Pathogenic. Loss-of-function variants in NF1 are known to be pathogenic (PMID: 10712197, 23913538). This variant is not present in population databases (ExAC no frequency). This sequence change creates a premature translational stop signal (p.Val2357Cysfs*8) in the NF1 gene. It is expected to result in an absent or disrupted protein product.

Literature cited by the submitters: PubMed 10712197; PubMed 23913538.

NM_001042492.3(NF1):c.7131dup (p.Val2378fs)

Gene: NF1 (neurofibromin 1; plus strand). Cytogenetic location: 17q11.2.
Variant type: Duplication.
Coding change: c.7131dup on transcript NM_001042492.3 (MANE Select); coding-DNA position 7131, one base duplicated (T; older notation c.7131dupT).
Protein change: p.Val2378fs; shifts the reading frame from valine 2378.
Molecular consequence: frameshift variant.
Genome position (GRCh38, 1-based): chr17:31,343,077, T duplicated; the last of 4 consecutive T bases (chr17:31,343,074-31,343,077); duplicating any one gives the same sequence. VCF-style (leftmost placement, unchanged base first): chr17-31343073-A-AT. GRCh37 (hg19) VCF-style: chr17-29670091-A-AT.
Other names: c.7068dup, p.Val2357Cysfs (NM_000267.4); short protein forms V2357fs, V2378fs.
Identifiers: ClinVar variation 949551 (VCV000949551.6), dbSNP rs1597851351, ClinGen allele CA1139665465.